The following is an entry in ClinVar:

ClinVar aggregate classification (germline): Likely benign (1 of 4 stars; one submission).

Conditions:
PRPF8-related disorder. Also called: PRPF8-related condition.

gnomAD v4.1: 7 of 1,612,444 alleles (0.00043%); highest among the groups gnomAD compares: Admixed American, 0.012%; no homozygotes.

Submission:

PreventionGenetics, part of Exact Sciences
Classification: Likely benign for PRPF8-related condition. Last evaluated: 2025-08-15. Review status: criteria provided, single submitter. Criteria: ACMG Guidelines, 2015. Collection method: clinical testing. Allele origin: germline.
Comment: This variant is classified as likely benign based on ACMG/AMP sequence variant interpretation guidelines (Richards et al. 2015 PMID: 25741868, with internal and published modifications).

NM_006445.4(PRPF8):c.-6C>T

Gene: PRPF8 (pre-mRNA processing factor 8; minus strand). Cytogenetic location: 17p13.3.
Variant type: single nucleotide variant.
Coding change: c.-6C>T on transcript NM_006445.4 (MANE Select); 6 bases upstream of the start codon, C replaced by T.
Molecular consequence: 5 prime UTR variant.
Genome position (GRCh38, 1-based): chr17:1,684,577, G>A on the plus strand (C>T on the coding strand, the complement: PRPF8 is on the minus strand). VCF-style: chr17-1684577-G-A. GRCh37 (hg19) VCF-style: chr17-1587871-G-A.
Identifiers: ClinVar variation 4985057 (VCV004985057.1).